The following is an entry in ClinVar:

ClinVar aggregate classification (germline): Uncertain significance (1 of 4 stars; one submission).

Submission:

Center for Genomics, Ann and Robert H. Lurie Children's Hospital of Chicago
Classification: Uncertain significance. Last evaluated: 2021-03-30. Review status: criteria provided, single submitter. Criteria: ACMG Guidelines, 2015. Collection method: clinical testing. Allele origin: germline.
Comment: FPR1 NM_002029.3 exon 2 p.Gly148Glu (c.443G>A): This variant has not been reported in the literature and is not present in large control databases. Evolutionary conservation and computational predictive tools suggest that this variant may not impact the protein. In summary, data on this variant is insufficient for disease classification. Therefore, the clinical significance of this variant is uncertain.

NM_002029.4(FPR1):c.443G>A (p.Gly148Glu)

Gene: FPR1 (formyl peptide receptor 1; minus strand). Cytogenetic location: 19q13.41.
Variant type: single nucleotide variant.
Coding change: c.443G>A on transcript NM_002029.4 (MANE Select); coding-DNA position 443, G replaced by A.
Protein change: p.Gly148Glu; replaces glycine 148 with glutamic acid.
Molecular consequence: missense variant.
Genome position (GRCh38, 1-based): chr19:51,746,552, C>T on the plus strand (G>A on the coding strand, the complement: FPR1 is on the minus strand). VCF-style: chr19-51746552-C-T. GRCh37 (hg19) VCF-style: chr19-52249805-C-T.
Other names: c.443G>A, p.Gly148Glu (NM_001193306.2); short protein forms G148E.
Identifiers: ClinVar variation 2501727 (VCV002501727.1), dbSNP rs2083747055, ClinGen allele CA407118792.
Genomic context (GRCh38, chr19:51,746,552, plus strand): 5'-GGTACTGTAGTCACACGAATGATAACTGGCAATGTGAGGAGCAGAGCCATCACCCAGGGC[C>T]CAATGATCACCTTCTTGGCCAGGCTCACGGTGCGGTGGTTCTGGGTCCAGACTGGATGCA-3'
Protein context (NP_002020.1, residues 138-158): TVSLAKKVII[Gly148Glu]PWVMALLLTL